The following is an entry in ClinVar:

NM_022474.4(PALS1):c.1012A>G (p.Ile338Val)

Genes: GPHN (gephyrin; plus strand), PALS1 (protein associated with LIN7 1, MAGUK p55 family member; plus strand). Cytogenetic location: 14q23.3.
Variant type: single nucleotide variant.
Coding change: c.1012A>G on transcript NM_022474.4 (MANE Select); coding-DNA position 1012, A replaced by G.
Protein change: p.Ile338Val; replaces isoleucine 338 with valine.
Molecular consequence: missense variant.
Genome position (GRCh38, 1-based): chr14:67,303,570, A>G. VCF-style: chr14-67303570-A-G. GRCh37 (hg19) VCF-style: chr14-67770287-A-G.
Other names: c.910A>G, p.Ile304Val (NM_001256550.2); short protein forms I304V, I338V.
Identifiers: ClinVar variation 4861575 (VCV004861575.1).

ClinVar aggregate classification (germline): Uncertain significance (1 of 4 stars; one submission).

gnomAD v4.1: 12 of 1,613,686 alleles (0.00074%); highest among the groups gnomAD compares: Non-Finnish European, 0.00093%; no homozygotes.

Submission:

Ambry Genetics
Classification: Uncertain significance. Last evaluated: 2026-04-11. Review status: criteria provided, single submitter. Criteria: Ambry Variant Classification Scheme 2023. Collection method: clinical testing. Allele origin: germline.
Comment: The c.1012A>G (p.I338V) alteration is located in exon 8 (coding exon 6) of the MPP5 gene. This alteration results from a A to G substitution at nucleotide position 1012, causing the isoleucine (I) at amino acid position 338 to be replaced by a valine (V). Based on data from gnomAD, the G allele has an overall frequency of <0.001% (1/251312) total alleles studied. The highest observed frequency was 0.001% (1/113626) of European (non-Finnish) alleles. Based on insufficient or conflicting evidence, the clinical significance of this alteration remains unclear.